The following is an entry in ClinVar:

NM_001197104.2(KMT2A):c.6185C>T (p.Thr2062Ile)

Gene: KMT2A (lysine methyltransferase 2A; plus strand). Cytogenetic location: 11q23.3.
Variant type: single nucleotide variant.
Coding change: c.6185C>T on transcript NM_001197104.2 (MANE Select); coding-DNA position 6185, C replaced by T.
Protein change: p.Thr2062Ile; replaces threonine 2062 with isoleucine.
Molecular consequence: missense variant.
Genome position (GRCh38, 1-based): chr11:118,501,013, C>T. VCF-style: chr11-118501013-C-T. GRCh37 (hg19) VCF-style: chr11-118371728-C-T.
Other names: c.6176C>T, p.Thr2059Ile (NM_005933.4); short protein forms T2062I, T2059I.
Identifiers: ClinVar variation 728961 (VCV000728961.15), dbSNP rs145061625, ClinGen allele CA6304205.

ClinVar aggregate classification (germline): Benign/Likely benign. Review status: criteria provided, multiple submitters, no conflicts (2 of 4 stars). 5 submissions from 5 submitters: Benign (2); Likely benign (2). 1 of the submissions does not count toward it. Last evaluated 2025-12-01.

Conditions:
KMT2A-related disorder. Also called: KMT2A-related condition.
Inborn genetic diseases. Identifiers: MedGen C0950123, MeSH D030342.

Allele frequency attached by ClinVar (database versions not stated): gnomAD exomes 0.00003 and 0.00008; ExAC 0.00008; 1000 Genomes Project 30x 0.00016; 1000 Genomes Project 0.00020; ESP Exome Variant Server 0.00023; gnomAD 0.00026 and 0.00028; TOPMed 0.00033.
gnomAD v4.1: 82 of 1,613,718 alleles (0.0051%); highest among the groups gnomAD compares: African/African-American, 0.092%; no homozygotes.

Submissions (5):

Labcorp Genetics (formerly Invitae), Labcorp
Classification: Benign. Last evaluated: 2025-12-01. Review status: criteria provided, single submitter. Criteria: Invitae Variant Classification Sherloc (09022015). Collection method: clinical testing. Allele origin: germline.

Blueprint Genetics
Classification: Likely benign. Last evaluated: 2024-11-26. Review status: criteria provided, single submitter. Criteria: ACMG Guidelines, 2015. Collection method: clinical testing. Allele origin: germline.

Ambry Genetics
Classification: Likely benign for Inborn genetic diseases. Last evaluated: 2022-08-17. Review status: criteria provided, single submitter. Criteria: Ambry Variant Classification Scheme 2023. Collection method: clinical testing. Allele origin: germline.

GeneDx
Classification: Benign. Last evaluated: 2019-12-06. Review status: criteria provided, single submitter. Criteria: GeneDx Variant Classification Process June 2021. Collection method: clinical testing. Allele origin: germline. Affected: yes.

PreventionGenetics, part of Exact Sciences
Classification: Likely benign for KMT2A-related condition. Last evaluated: 2022-06-27. Review status: no assertion criteria provided. Collection method: clinical testing. Allele origin: germline. Not counted in ClinVar's aggregate classification.
Comment: This variant is classified as likely benign based on ACMG/AMP sequence variant interpretation guidelines (Richards et al. 2015 PMID: 25741868, with internal and published modifications).